The following is an entry in ClinVar:

NC_000007.14:g.76302491G>T

Gene: HSPB1 (heat shock protein family B (small) member 1; plus strand). Cytogenetic location: 7q11.23.
Variant type: single nucleotide variant.
Genome position: GRCh38 VCF-style: chr7-76302491-G-T. GRCh37 (hg19) VCF-style: chr7-75931808-G-T.
Identifiers: ClinVar variation 4989277 (VCV004989277.1).
Genomic context (GRCh38, chr7:76,302,491, plus strand): 5'-CCCTGCCGTGGCACGGCTCCAGCGTCGCGCTCTCGAATTCATTTGCTTTCCTTAACGAGA[G>T]AAGGTTCCAGATGAGGGCTGAACCCTCTTCGCCCCGCCCACGGCCCCTGAACGCTGGGGG-3'

ClinVar aggregate classification (germline): Likely benign (1 of 4 stars; one submission).

Conditions:
HSPB1-related disorder. Also called: HSPB1-related disorders; HSPB1-related condition.

Submission:

PreventionGenetics, part of Exact Sciences
Classification: Likely benign for HSPB1-related condition. Last evaluated: 2026-07-24. Review status: criteria provided, single submitter. Criteria: ACMG Guidelines, 2015. Collection method: clinical testing. Allele origin: germline.
Comment: This variant is classified as likely benign based on ACMG/AMP sequence variant interpretation guidelines (Richards et al. 2015 PMID: 25741868, with internal and published modifications).